The following is an entry in ClinVar:

ClinVar aggregate classification (germline): Uncertain significance (1 of 4 stars; one submission).

Allele frequency attached by ClinVar (database versions not stated): gnomAD exomes below 0.00001; gnomAD 0.00001.
gnomAD v4.1: 4 of 1,607,540 alleles (0.00025%); highest among the groups gnomAD compares: African/African-American, 0.0013%; no homozygotes.

Submission:

Labcorp Genetics (formerly Invitae), Labcorp
Classification: Uncertain significance. Last evaluated: 2022-05-20. Review status: criteria provided, single submitter. Criteria: Invitae Variant Classification Sherloc (09022015). Collection method: clinical testing. Allele origin: germline.
Comment: In summary, the available evidence is currently insufficient to determine the role of this variant in disease. Therefore, it has been classified as a Variant of Uncertain Significance. Advanced modeling of protein sequence and biophysical properties (such as structural, functional, and spatial information, amino acid conservation, physicochemical variation, residue mobility, and thermodynamic stability) performed at Invitae indicates that this missense variant is expected to disrupt FGFR3 protein function. This variant has not been reported in the literature in individuals affected with FGFR3-related conditions. This variant is not present in population databases (gnomAD no frequency). This sequence change replaces alanine, which is neutral and non-polar, with valine, which is neutral and non-polar, at codon 257 of the FGFR3 protein (p.Ala257Val).

NM_000142.5(FGFR3):c.770C>T (p.Ala257Val)

Gene: FGFR3 (fibroblast growth factor receptor 3; plus strand). Cytogenetic location: 4p16.3.
Variant type: single nucleotide variant.
Coding change: c.770C>T on transcript NM_000142.5 (MANE Select); coding-DNA position 770, C replaced by T.
Protein change: p.Ala257Val; replaces alanine 257 with valine.
Molecular consequence: missense variant. On other transcripts: non-coding transcript variant (1).
Genome position (GRCh38, 1-based): chr4:1,801,865, C>T. VCF-style: chr4-1801865-C-T. GRCh37 (hg19) VCF-style: chr4-1803592-C-T.
Other names: c.770C>T, p.Ala257Val (NM_001163213.2, NM_001354809.2, NM_001354810.2 and 1 more transcripts); short protein forms A257V.
Identifiers: ClinVar variation 1926023 (VCV001926023.5), dbSNP rs949596399, ClinGen allele CA91249877.